The following is an entry in ClinVar:

ClinVar aggregate classification (germline): Conflicting classifications of pathogenicity. Review status: criteria provided, conflicting classifications (1 of 4 stars). 3 submissions from 3 submitters: Uncertain significance (2); Likely benign (1). Last evaluated 2022-04-28.

Allele frequency attached by ClinVar (database versions not stated): gnomAD exomes 0.00009 and 0.00014; gnomAD 0.00011; ExAC 0.00012; TOPMed 0.00013; ESP Exome Variant Server 0.00015.
gnomAD v4.1: 145 of 1,613,988 alleles (0.009%); highest among the groups gnomAD compares: Non-Finnish European, 0.0079%; no homozygotes.

Submissions (3):

Labcorp Genetics (formerly Invitae), Labcorp
Classification: Uncertain significance. Last evaluated: 2022-04-28. Review status: criteria provided, single submitter. Criteria: Invitae Variant Classification Sherloc (09022015). Collection method: clinical testing. Allele origin: germline.
Comment: This sequence change replaces glycine, which is neutral and non-polar, with aspartic acid, which is acidic and polar, at codon 1268 of the CENPJ protein (p.Gly1268Asp). This variant is present in population databases (rs151090294, gnomAD 0.2%). This variant has not been reported in the literature in individuals affected with CENPJ-related conditions. ClinVar contains an entry for this variant (Variation ID: 804717). Algorithms developed to predict the effect of missense changes on protein structure and function are either unavailable or do not agree on the potential impact of this missense change (SIFT: "Deleterious"; PolyPhen-2: "Probably Damaging"; Align-GVGD: "Class C0"). In summary, the available evidence is currently insufficient to determine the role of this variant in disease. Therefore, it has been classified as a Variant of Uncertain Significance.

GeneDx
Classification: Uncertain significance. Last evaluated: 2021-12-29. Review status: criteria provided, single submitter. Criteria: GeneDx Variant Classification Process June 2021. Collection method: clinical testing. Allele origin: germline. Affected: yes.
Comment: In silico analysis supports that this missense variant has a deleterious effect on protein structure/function; Has not been previously published as pathogenic or benign to our knowledge

Athena Diagnostics
Classification: Likely benign. Last evaluated: 2019-01-10. Review status: criteria provided, single submitter. Criteria: Athena Diagnostics Criteria. Collection method: clinical testing. Allele origin: germline.

NM_018451.5(CPAP):c.3803G>A (p.Gly1268Asp)

Genes: CPAP (centrosome assembly and centriole elongation protein; minus strand), RNF17 (ring finger protein 17; plus strand). Cytogenetic location: 13q12.12.
Variant type: single nucleotide variant.
Coding change: c.3803G>A on transcript NM_018451.5 (MANE Select); coding-DNA position 3803, G replaced by A.
Protein change: p.Gly1268Asp; replaces glycine 1268 with aspartic acid.
Molecular consequence: missense variant. On other transcripts: non-coding transcript variant (2).
Genome position (GRCh38, 1-based): chr13:24,883,984, C>T on the plus strand (G>A on the coding strand, the complement: CPAP is on the minus strand). VCF-style: chr13-24883984-C-T. GRCh37 (hg19) VCF-style: chr13-25458122-C-T.
Other names: short protein forms G1268D.
Identifiers: ClinVar variation 804717 (VCV000804717.5), dbSNP rs151090294, ClinGen allele CA6919152.